The following is an entry in ClinVar:

ClinVar aggregate classification (germline): Uncertain significance (1 of 4 stars; one submission).

Conditions:
Nephronophthisis 15 (NPHP15). Identifiers: Orphanet 3156, MedGen C3541853, MONDO:0013917, OMIM 614845.

Submission:

Labcorp Genetics (formerly Invitae), Labcorp
Classification: Uncertain significance for Nephronophthisis 15. Last evaluated: 2025-04-19. Review status: criteria provided, single submitter. Criteria: Invitae Variant Classification Sherloc (09022015). Collection method: clinical testing. Allele origin: germline.
Comment: This sequence change replaces proline, which is neutral and non-polar, with leucine, which is neutral and non-polar, at codon 308 of the CEP164 protein (p.Pro308Leu). This variant is not present in population databases (gnomAD no frequency). This variant has not been reported in the literature in individuals affected with CEP164-related conditions. An algorithm developed to predict the effect of missense changes on protein structure and function outputs the following: PolyPhen-2: "Benign". The leucine amino acid residue is found in multiple mammalian species, which suggests that this missense change does not adversely affect protein function. In summary, the available evidence is currently insufficient to determine the role of this variant in disease. Therefore, it has been classified as a Variant of Uncertain Significance.

NM_014956.5(CEP164):c.923C>T (p.Pro308Leu)

Gene: CEP164 (centrosomal protein 164; plus strand). Cytogenetic location: 11q23.3.
Variant type: single nucleotide variant.
Coding change: c.923C>T on transcript NM_014956.5 (MANE Select); coding-DNA position 923, C replaced by T.
Protein change: p.Pro308Leu; replaces proline 308 with leucine.
Molecular consequence: missense variant.
Genome position (GRCh38, 1-based): chr11:117,371,237, C>T. VCF-style: chr11-117371237-C-T. GRCh37 (hg19) VCF-style: chr11-117241953-C-T.
Other names: c.923C>T, p.Pro308Leu (NM_001271933.2, NM_001440949.1, NM_001440950.1 and 16 more transcripts); c.845C>T, p.Pro282Leu (NM_001440952.1, NM_001440954.1, NM_001440955.1 and 17 more transcripts); c.785C>T, p.Pro262Leu (NM_001440960.1); short protein forms P282L, P308L, P262L.
Identifiers: ClinVar variation 4717446 (VCV004717446.1).